The following is an entry in ClinVar:

NM_000059.4(BRCA2):c.7802A>G (p.Tyr2601Cys)

Gene: BRCA2 (BRCA2 DNA repair associated; plus strand). Cytogenetic location: 13q13.1.
Variant type: single nucleotide variant.
Coding change: c.7802A>G on transcript NM_000059.4 (MANE Select); coding-DNA position 7802, A replaced by G.
Protein change: p.Tyr2601Cys; replaces tyrosine 2601 with cysteine.
Molecular consequence: missense variant.
Genome position (GRCh38, 1-based): chr13:32,357,926, A>G. VCF-style: chr13-32357926-A-G. GRCh37 (hg19) VCF-style: chr13-32932063-A-G.
Other names: short protein forms Y2601C.
Identifiers: ClinVar variation 185651 (VCV000185651.17), dbSNP rs786202344, ClinGen allele CA025278.
Genomic context (GRCh38, chr13:32,357,926, plus strand): 5'-TGGCTGATGGTGGATGGCTCATACCCTCCAATGATGGAAAGGCTGGAAAAGAAGAATTTT[A>G]TAGGTACTCTATGCAAAAAGATTGTGTGTTAACTTTTATGTATTCCCTCATCCCTCTTTC-3'
Protein context (NP_000050.3, residues 2591-2611): NDGKAGKEEF[Tyr2601Cys]RALCDTPGVD

ClinVar aggregate classification (germline): Likely pathogenic. Review status: criteria provided, multiple submitters, no conflicts (2 of 4 stars). 3 submissions from 3 submitters: Likely pathogenic (2). 1 of the submissions does not count toward it. Last evaluated 2025-10-19.

Conditions:
Hereditary breast ovarian cancer syndrome. Also called: Hereditary breast and ovarian cancer; Hereditary breast and ovarian cancer syndrome; Breast and ovarian cancer; Hereditary breast and ovarian cancer syndrome (HBOC); Hereditary breast and/or ovarian cancer syndrome; BRCA1- and BRCA2-Associated Hereditary Breast and Ovarian Cancer. Identifiers: Orphanet 145, MedGen C0677776, MeSH D061325, MONDO:0003582. Disease mechanism: loss of function.
Breast-ovarian cancer, familial, susceptibility to, 2 (BROVCA2). Also called: BRCA2 Hereditary Breast and Ovarian Cancer. Identifiers: Orphanet 145, MedGen C2675520, MONDO:0012933, OMIM 612555. Disease mechanism: loss of function.
Hereditary cancer-predisposing syndrome. Also called: Hereditary Cancer Syndrome; Neoplastic Syndromes, Hereditary; Tumor predisposition; Hereditary neoplastic syndrome. Identifiers: Orphanet 140162, MedGen C0027672, MeSH D009386, MONDO:0015356.

Submissions (3):

Labcorp Genetics (formerly Invitae), Labcorp
Classification: Likely pathogenic for Hereditary breast ovarian cancer syndrome. Last evaluated: 2025-10-19. Review status: criteria provided, single submitter. Criteria: Invitae Variant Classification Sherloc (09022015). Collection method: clinical testing. Allele origin: germline.
Comment: This sequence change replaces tyrosine, which is neutral and polar, with cysteine, which is neutral and slightly polar, at codon 2601 of the BRCA2 protein (p.Tyr2601Cys). This variant is not present in population databases (gnomAD no frequency). This missense change has been observed in individual(s) with clinical features of Fanconi anemia (PMID: 24301060). In at least one individual the data is consistent with being in trans (on the opposite chromosome) from a pathogenic variant. ClinVar contains an entry for this variant (Variation ID: 185651). Invitae Evidence Modeling of protein sequence and biophysical properties (such as structural, functional, and spatial information, amino acid conservation, physicochemical variation, residue mobility, and thermodynamic stability) indicates that this missense variant is not expected to disrupt BRCA2 protein function with a negative predictive value of 95%. Studies have shown that this missense change is associated with altered splicing resulting in unknown protein product (PMID: 24301060, 29881398, 31843900). In summary, the currently available evidence indicates that the variant is pathogenic, but additional data are needed to prove that conclusively. Therefore, this variant has been classified as Likely Pathogenic.

Ambry Genetics
Classification: Likely pathogenic for Hereditary cancer-predisposing syndrome. Last evaluated: 2025-08-04. Review status: criteria provided, single submitter. Criteria: Ambry Variant Classification Scheme 2023. Collection method: clinical testing. Allele origin: germline.
Comment: The c.7802A>G variant (also known as p.Y2601C), located in coding exon 15 of the BRCA2 gene, results from an A to G substitution at nucleotide position 7802. The tyrosine at codon 2601 is replaced by cysteine, an amino acid with highly dissimilar properties. This variant leads to an incomplete splice defect in multiple RNA functional studies (Ambry internal data; Fraile-Bethencourt E et al. Front Genet, 2018 May;9:188; Casadei S et al. Proc Natl Acad Sci U S A, 2019 Dec; Degrolard-Courcet E et al. Eur J Hum Genet. 2014 Aug; 22(8):979-87). This alteration was detected in conjunction with a pathogenic BRCA2 frameshift mutation in a family with an atypical Fanconi Anemia presentation in which the FA diagnosis was confirmed by chromosomal breakage analysis of lymphocytes but the physical manifestations were very mild and toxicity to chemotherapy was inconsistent among the confirmed and presumed biallelic siblings (Degrolard-Courcet E et al. Eur J Hum Genet. 2014 Aug; 22(8):979-87). This nucleotide position is highly conserved in available vertebrate species. In silico splice site analysis predicts that this alteration will result in the creation or strengthening of a novel splice donor site. In addition, as a missense substitution this is predicted to be deleterious by in silico analysis. Based on the majority of available evidence to date, this variant is likely to be pathogenic. However, because this variant is identified in one or more patients with Fanconi Anemia it may be hypomorphic and thus, carriers of this variant and their families may present with reduced risks, and not with the typical clinical characteristics of a high-risk pathogenic BRCA2 alteration. As risk estimates are unknown at this time, clinical correlation is advised.

King Laboratory, University of Washington
Classification: Pathogenic for Hereditary breast and ovarian cancer syndrome; Breast-ovarian cancer, familial 2. Last evaluated: 2019-09-01. Review status: no assertion criteria provided. Collection method: research. Allele origin: germline. Affected: yes. Not counted in ClinVar's aggregate classification.
Comment: Transcript analysis by cBROCA

Literature cited by the submitters: PubMed 24301060 (cited by Labcorp Genetics (formerly Invitae), Labcorp and Ambry Genetics); PubMed 29881398 (cited by Labcorp Genetics (formerly Invitae), Labcorp and Ambry Genetics); PubMed 31843900 (cited by 3 submitters).